The following is an entry in ClinVar:

NM_006015.6(ARID1A):c.4264_4275del (p.Ser1422_Gln1425del)

Gene: ARID1A (AT-rich interaction domain 1A; plus strand). Cytogenetic location: 1p36.11.
Variant type: Deletion.
Coding change: c.4264_4275del on transcript NM_006015.6 (MANE Select); coding-DNA positions 4264 to 4275, 12 bases deleted (TCCCCTCAGCAA).
Protein change: p.Ser1422_Gln1425del.
Molecular consequence: inframe deletion. On other transcripts: intron variant (1).
Genome position (GRCh38, 1-based): chr1:26,774,491-26,774,502, TCCCCTCAGCAA deleted. VCF-style (leftmost placement, unchanged base first): chr1-26774490-TTCCCCTCAGCAA-T. GRCh37 (hg19) VCF-style: chr1-27100981-TTCCCCTCAGCAA-T.
Other names: c.4102-489_4102-478del (NM_139135.4).
Identifiers: ClinVar variation 2854831 (VCV002854831.3), dbSNP rs2521995410, ClinGen allele CA2739272409.

ClinVar aggregate classification (germline): Uncertain significance (1 of 4 stars; one submission).

Submission:

Labcorp Genetics (formerly Invitae), Labcorp
Classification: Uncertain significance. Last evaluated: 2023-04-29. Review status: criteria provided, single submitter. Criteria: Invitae Variant Classification Sherloc (09022015). Collection method: clinical testing. Allele origin: germline.
Comment: This variant, c.4264_4275del, results in the deletion of 4 amino acid(s) of the ARID1A protein (p.Ser1422_Gln1425del), but otherwise preserves the integrity of the reading frame. This variant is not present in population databases (gnomAD no frequency). This variant has not been reported in the literature in individuals affected with ARID1A-related conditions. Experimental studies and prediction algorithms are not available or were not evaluated, and the functional significance of this variant is currently unknown. In summary, the available evidence is currently insufficient to determine the role of this variant in disease. Therefore, it has been classified as a Variant of Uncertain Significance.